The following is an entry in ClinVar:

ClinVar aggregate classification (germline): Uncertain significance (0 of 4 stars; one submission).

Allele frequency attached by ClinVar (database versions not stated): TOPMed below 0.00001.

Submission:

Department of Pathology and Laboratory Medicine, Sinai Health System
Classification: Uncertain significance. Review status: no assertion criteria provided. Collection method: clinical testing. Allele origin: unknown. Affected: yes. Study: The Canadian Open Genetics Repository (COGR).
Comment: The RNF213 p.Lys1125Glu variant was not identified in the literature nor was it identified in ClinVar, Cosmic, LOVD 3.0 or in the following control databases: the 1000 Genomes Project, the NHLBI GO Exome Sequencing Project, the Exome Aggregation Consortium (August 8th 2016), or the Genome Aggregation Database (Feb 27, 2017). The variant was identified in dbSNP (ID: rs1180659875). The variant occurs outside of the splicing consensus sequence and in silico or computational prediction software programs (SpliceSiteFinder, MaxEntScan, NNSPLICE, GeneSplicer) do not predict a difference in splicing at the variant location. The p.Lys1125 residue is not conserved in mammals and computational analyses (SIFT, AlignGVGD, BLOSUM, MutationTaster) do not suggest a high likelihood of impact to the protein; however, this information is not predictive enough to rule out pathogenicity. In summary, based on the above information the clinical significance of this variant cannot be determined with certainty at this time. This variant is classified as a variant of uncertain significance.

NM_001256071.3(RNF213):c.3373A>G (p.Lys1125Glu)

Gene: RNF213 (ring finger protein 213; plus strand). Cytogenetic location: 17q25.3.
Variant type: single nucleotide variant.
Coding change: c.3373A>G on transcript NM_001256071.3 (MANE Select); coding-DNA position 3373, A replaced by G.
Protein change: p.Lys1125Glu; replaces lysine 1125 with glutamic acid.
Molecular consequence: missense variant.
Genome position (GRCh38, 1-based): chr17:80,328,333, A>G. VCF-style: chr17-80328333-A-G. GRCh37 (hg19) VCF-style: chr17-78302133-A-G.
Other names: short protein forms K1125E.
Identifiers: ClinVar variation 1050207 (VCV001050207.1), dbSNP rs1180659875, ClinGen allele CA401379621.
Genomic context (GRCh38, chr17:80,328,333, plus strand): 5'-GAAAATGGCATTTGTTGCTGTATTGGGTTACTTTATTGGTGTTCTTATTTTCCAGGGGAA[A>G]AAAGTCTTTCACCCCAGGATGAACAATGTGCTGTGGAGGAAGCACTGGATTGGAGAAGGG-3'
Protein context (NP_001243000.2, residues 1115-1135): QFLDIWQLRE[Lys1125Glu]SLSPQDEQCA